The following is an entry in ClinVar:

NM_003872.3(NRP2):c.2425+9573G>T

Gene: NRP2 (neuropilin 2; plus strand). Cytogenetic location: 2q33.3.
Variant type: single nucleotide variant.
Coding change: c.2425+9573G>T on transcript NM_003872.3 (MANE Select); 9573 bases into the intron after coding-DNA position 2425, G replaced by T.
Molecular consequence: intron variant. On other transcripts: synonymous variant (2).
Genome position (GRCh38, 1-based): chr2:205,776,376, G>T. VCF-style: chr2-205776376-G-T. GRCh37 (hg19) VCF-style: chr2-206641100-G-T.
Other names: c.2571G>T, p.Leu857= (NM_018534.4); c.2556G>T, p.Leu852= (NM_201267.2); c.2440+9558G>T (NM_201266.2); c.2425+9573G>T (NM_201279.2).
Identifiers: ClinVar variation 4989907 (VCV004989907.1).

ClinVar aggregate classification (germline): Likely benign (1 of 4 stars; one submission).

Conditions:
NRP2-related disorder. Also called: NRP2-related condition.

gnomAD v4.1: 1 of 1,613,288 alleles (0.000062%); highest among the groups gnomAD compares: Admixed American, 0.0017%; no homozygotes.

Submission:

PreventionGenetics, part of Exact Sciences
Classification: Likely benign for NRP2-related condition. Last evaluated: 2026-04-30. Review status: criteria provided, single submitter. Criteria: ACMG Guidelines, 2015. Collection method: clinical testing. Allele origin: germline.
Comment: This variant is classified as likely benign based on ACMG/AMP sequence variant interpretation guidelines (Richards et al. 2015 PMID: 25741868, with internal and published modifications).